The following is an entry in ClinVar:

ClinVar aggregate classification (germline): Likely benign (1 of 4 stars; one submission).

Allele frequency attached by ClinVar (database versions not stated): 1000 Genomes Project 30x 0.00109; 1000 Genomes Project 0.00120; ExAC 0.00254; gnomAD 0.00256; TOPMed 0.00259; ESP Exome Variant Server 0.00301; gnomAD exomes 0.00372.

Submission:

CeGaT Center for Human Genetics Tuebingen
Classification: Likely benign. Last evaluated: 2023-09-01. Review status: criteria provided, single submitter. Criteria: CeGaT Center For Human Genetics Tuebingen Variant Classification Criteria Version 2. Collection method: clinical testing. Allele origin: germline. Affected: yes. Observed: 1 variant allele.
Comment: GRAMD1A: BP4, BS2

NM_020895.5(GRAMD1A):c.785G>A (p.Arg262His)

Gene: GRAMD1A (GRAM domain containing 1A; plus strand). Cytogenetic location: 19q13.11.
Variant type: single nucleotide variant.
Coding change: c.785G>A on transcript NM_020895.5 (MANE Select); coding-DNA position 785, G replaced by A.
Protein change: p.Arg262His; replaces arginine 262 with histidine.
Molecular consequence: missense variant.
Genome position (GRCh38, 1-based): chr19:35,013,606, G>A. VCF-style: chr19-35013606-G-A. GRCh37 (hg19) VCF-style: chr19-35504510-G-A.
Other names: c.764G>A, p.Arg255His (NM_001136199.3); c.785G>A, p.Arg262His (NM_001320034.2); c.83G>A, p.Arg28His (NM_001320035.2); c.1046G>A, p.Arg349His (NM_001320036.2); short protein forms R255H, R262H, R28H, R349H.
Identifiers: ClinVar variation 2649712 (VCV002649712.24), dbSNP rs182927749, ClinGen allele CA9371341.
Genomic context (GRCh38, chr19:35,013,606, plus strand): 5'-CCAAGGAAGTGGGAGATGTGATCGCCCTGAGCGACATCACCTCCTCGGGGGCAGCTGACC[G>A]CAGCCAGGAGCCAAGCCCAGTGGGTTCGCGCCGTGGCCATGTCACGCCCAACCTTTCCCG-3'
Protein context (NP_065946.2, residues 252-272): SDITSSGAAD[Arg262His]SQEPSPVGSR